The following is an entry in ClinVar:

NM_015072.5(TTLL5):c.1685G>A (p.Arg562Lys)

Gene: TTLL5 (tubulin tyrosine ligase like 5; plus strand). Cytogenetic location: 14q24.3.
Variant type: single nucleotide variant.
Coding change: c.1685G>A on transcript NM_015072.5 (MANE Select); coding-DNA position 1685, G replaced by A.
Protein change: p.Arg562Lys; replaces arginine 562 with lysine.
Molecular consequence: missense variant.
Genome position (GRCh38, 1-based): chr14:75,764,749, G>A. VCF-style: chr14-75764749-G-A. GRCh37 (hg19) VCF-style: chr14-76231092-G-A.
Other names: c.1685G>A (NM_015072.4); short protein forms R562K.
Identifiers: ClinVar variation 2066507 (VCV002066507.2), dbSNP rs200777469, ClinGen allele CA7279490.

ClinVar aggregate classification (germline): Uncertain significance. Review status: criteria provided, multiple submitters, no conflicts (2 of 4 stars). 2 submissions from 2 submitters: Uncertain significance (2). Last evaluated 2025-03-26.

Conditions:
TTLL5-related disorder. Also called: TTLL5-related condition.

Allele frequency attached by ClinVar (database versions not stated): ExAC 0.00002; gnomAD 0.00006; gnomAD exomes 0.00012; 1000 Genomes Project 30x 0.00016; 1000 Genomes Project 0.00020; TOPMed 0.00001.
gnomAD v4.1: 183 of 1,614,096 alleles (0.011%); highest among the groups gnomAD compares: East Asian, 0.4%; 2 homozygotes.

Submissions (2):

PreventionGenetics, part of Exact Sciences
Classification: Uncertain significance for TTLL5-related condition. Last evaluated: 2025-03-26. Review status: criteria provided, single submitter. Criteria: ACMG Guidelines, 2015. Collection method: clinical testing. Allele origin: germline.
Comment: The TTLL5 c.1685G>A variant is predicted to result in the amino acid substitution p.Arg562Lys. To our knowledge, this variant has not been reported in the literature. This variant is present in 0.022% of alleles in individuals of East Asian descent in gnomAD. At this time, the clinical significance of this variant is uncertain due to the absence of conclusive functional and genetic evidence.

Labcorp Genetics (formerly Invitae), Labcorp
Classification: Uncertain significance. Last evaluated: 2022-08-22. Review status: criteria provided, single submitter. Criteria: Invitae Variant Classification Sherloc (09022015). Collection method: clinical testing. Allele origin: germline.
Comment: This sequence change replaces arginine, which is basic and polar, with lysine, which is basic and polar, at codon 562 of the TTLL5 protein (p.Arg562Lys). This variant is present in population databases (rs200777469, gnomAD 0.02%). This variant has not been reported in the literature in individuals affected with TTLL5-related conditions. Algorithms developed to predict the effect of missense changes on protein structure and function output the following: SIFT: "Tolerated"; PolyPhen-2: "Benign"; Align-GVGD: "Class C0". The lysine amino acid residue is found in multiple mammalian species, which suggests that this missense change does not adversely affect protein function. Algorithms developed to predict the effect of sequence changes on RNA splicing suggest that this variant may disrupt the consensus splice site. In summary, the available evidence is currently insufficient to determine the role of this variant in disease. Therefore, it has been classified as a Variant of Uncertain Significance.